The following is an entry in ClinVar:

NM_033124.5(DRC2):c.653G>A (p.Arg218Lys)

Gene: DRC2 (dynein regulatory complex subunit 2; plus strand). Cytogenetic location: 12q13.12.
Variant type: single nucleotide variant.
Coding change: c.653G>A on transcript NM_033124.5 (MANE Select); coding-DNA position 653, G replaced by A.
Protein change: p.Arg218Lys; replaces arginine 218 with lysine.
Molecular consequence: missense variant.
Genome position (GRCh38, 1-based): chr12:48,918,318, G>A. VCF-style: chr12-48918318-G-A. GRCh37 (hg19) VCF-style: chr12-49312101-G-A.
Other names: c.224G>A, p.Arg75Lys (NM_001286957.2); short protein forms R218K, R75K.
Identifiers: ClinVar variation 1385325 (VCV001385325.6), dbSNP rs760818856, ClinGen allele CA6543300.

ClinVar aggregate classification (germline): Uncertain significance (1 of 4 stars; one submission).

Conditions:
Primary ciliary dyskinesia 27. Also called: CILIARY DYSKINESIA, PRIMARY, 27, WITHOUT SITUS INVERSUS. Identifiers: Orphanet 244, MedGen C3809701, MONDO:0014215, OMIM 615504.

Allele frequency attached by ClinVar (database versions not stated): gnomAD 0.00001; gnomAD exomes 0.00001 and 0.00002; ExAC 0.00002.
gnomAD v4.1: 6 of 1,614,072 alleles (0.00037%); no homozygotes.

Submission:

Labcorp Genetics (formerly Invitae), Labcorp
Classification: Uncertain significance for Primary ciliary dyskinesia 27. Last evaluated: 2021-10-08. Review status: criteria provided, single submitter. Criteria: Invitae Variant Classification Sherloc (09022015). Collection method: clinical testing. Allele origin: germline.
Comment: In summary, the available evidence is currently insufficient to determine the role of this variant in disease. Therefore, it has been classified as a Variant of Uncertain Significance. Algorithms developed to predict the effect of missense changes on protein structure and function (SIFT, PolyPhen-2, Align-GVGD) all suggest that this variant is likely to be tolerated. This variant has not been reported in the literature in individuals affected with CCDC65-related conditions. This variant is present in population databases (rs760818856, ExAC 0.03%). This sequence change replaces arginine with lysine at codon 218 of the CCDC65 protein (p.Arg218Lys). The arginine residue is weakly conserved and there is a small physicochemical difference between arginine and lysine.